The following is an entry in ClinVar:

ClinVar aggregate classification (germline): Benign/Likely benign. Review status: criteria provided, multiple submitters, no conflicts (2 of 4 stars). 15 submissions from 15 submitters: Benign (6); Likely benign (5). 4 of the submissions do not count toward it. Last evaluated 2026-09-01.

Conditions:
Myofibrillar myopathy 5. Also called: Filaminopathy (type); FILAMINOPATHY, AUTOSOMAL DOMINANT. Identifiers: Orphanet 171445, MedGen C1836050, MONDO:0012289, OMIM 609524.
Hypertrophic cardiomyopathy 26. Also called: Cardiomyopathy, familial hypertrophic, 26. Identifiers: Orphanet 75249, MedGen C4310749, MONDO:0014883, OMIM 617047.
Distal myopathy with posterior leg and anterior hand involvement. Also called: WILLIAMS DISTAL MYOPATHY. Identifiers: Orphanet 63273, MedGen C3279722, MONDO:0013550, OMIM 614065.
Cardiovascular phenotype. Identifiers: MedGen CN230736.
Cardiomyopathy (CMYO). Also called: Cardiomyopathies. Identifiers: Orphanet 167848, MedGen C0878544, MONDO:0004994, HP:0001638. Inheritance: Various modes of inheritance.

Allele frequency attached by ClinVar (database versions not stated): gnomAD 0.00178 and 0.00177; gnomAD exomes 0.00233 and 0.00155; ExAC 0.00278; 1000 Genomes Project 0.00040; 1000 Genomes Project 30x 0.00047; ESP Exome Variant Server 0.00109; TOPMed 0.00116.

Submissions (15):

CeGaT Center for Human Genetics Tuebingen
Classification: Likely benign. Last evaluated: 2026-09-01. Review status: criteria provided, single submitter. Criteria: CeGaT Center For Human Genetics Tuebingen Variant Classification Criteria Version 2. Collection method: clinical testing. Allele origin: germline. Affected: yes. Observed: 37 variant alleles.
Comment: FLNC: BP4, BP7, BS1

Labcorp Genetics (formerly Invitae), Labcorp
Classification: Benign for Distal myopathy with posterior leg and anterior hand involvement; Myofibrillar myopathy 5; Hypertrophic cardiomyopathy 26. Last evaluated: 2026-02-03. Review status: criteria provided, single submitter. Criteria: Invitae Variant Classification Sherloc (09022015). Collection method: clinical testing. Allele origin: germline.

Mayo Clinic Laboratories, Mayo Clinic
Classification: Likely benign. Last evaluated: 2025-11-15. Review status: criteria provided, single submitter. Criteria: ACMG Guidelines, 2015. Collection method: clinical testing. Allele origin: germline. Observed: 4 variant alleles.
Comment: BS1, BP4, BP7

Molecular Diagnostic Laboratory for Inherited Cardiovascular Disease, Montreal Heart Institute
Classification: Benign. Last evaluated: 2025-04-09. Review status: criteria provided, single submitter. Criteria: ACMG Guidelines, 2015. Collection method: clinical testing. Allele origin: germline. Affected: no.

Blueprint Genetics
Classification: Likely benign. Last evaluated: 2024-11-22. Review status: criteria provided, single submitter. Criteria: ACMG Guidelines, 2015. Collection method: clinical testing. Allele origin: germline.

ARUP Laboratories, Molecular Genetics and Genomics, ARUP Laboratories
Classification: Benign. Last evaluated: 2024-08-12. Review status: criteria provided, single submitter. Criteria: ARUP Molecular Germline Variant Investigation Process 2024. Collection method: clinical testing. Allele origin: germline.

Women's Health and Genetics/Laboratory Corporation of America, LabCorp
Classification: Benign. Last evaluated: 2023-10-23. Review status: criteria provided, single submitter. Criteria: LabCorp Variant Classification Summary - May 2015. Collection method: clinical testing. Allele origin: germline.

CHEO Genetics Diagnostic Laboratory, Children's Hospital of Eastern Ontario
Classification: Benign for Cardiomyopathy. Last evaluated: 2023-01-04. Review status: criteria provided, single submitter. Criteria: ACMG Guidelines, 2015. Collection method: clinical testing. Allele origin: germline.

Fulgent Genetics
Classification: Likely benign for Myofibrillar myopathy 5; Distal myopathy with posterior leg and anterior hand involvement; Hypertrophic cardiomyopathy 26. Last evaluated: 2021-08-24. Review status: criteria provided, single submitter. Criteria: ACMG Guidelines, 2015. Collection method: clinical testing. Allele origin: unknown.

Ambry Genetics
Classification: Likely benign for Cardiovascular phenotype. Last evaluated: 2019-03-21. Review status: criteria provided, single submitter. Criteria: Ambry Variant Classification Scheme 2023. Collection method: clinical testing. Allele origin: germline.

GeneDx
Classification: Benign. Last evaluated: 2018-07-06. Review status: criteria provided, single submitter. Criteria: GeneDx Variant Classification Process June 2021. Collection method: clinical testing. Allele origin: germline. Affected: yes.

Clinical Genetics DNA and cytogenetics Diagnostics Lab, Erasmus MC, Erasmus Medical Center
Classification: Benign. Review status: no assertion criteria provided. Collection method: clinical testing. Allele origin: germline. Affected: yes. Study: VKGL Data-share Consensus. Not counted in ClinVar's aggregate classification.

Clinical Genetics, Academic Medical Center
Classification: Benign. Review status: no assertion criteria provided. Collection method: clinical testing. Allele origin: germline. Affected: yes. Study: VKGL Data-share Consensus. Not counted in ClinVar's aggregate classification.

Genome Diagnostics Laboratory, University Medical Center Utrecht
Classification: Benign. Review status: no assertion criteria provided. Collection method: clinical testing. Allele origin: germline. Affected: yes. Study: VKGL Data-share Consensus. Not counted in ClinVar's aggregate classification.

Joint Genome Diagnostic Labs from Nijmegen and Maastricht, Radboudumc and MUMC+
Classification: Likely benign. Review status: no assertion criteria provided. Collection method: clinical testing. Allele origin: germline. Affected: yes. Study: VKGL Data-share Consensus. Not counted in ClinVar's aggregate classification.

NM_001458.5(FLNC):c.561C>T (p.Asp187=)

Gene: FLNC (filamin C; plus strand). Cytogenetic location: 7q32.1.
Variant type: single nucleotide variant.
Coding change: c.561C>T on transcript NM_001458.5 (MANE Select); coding-DNA position 561, C replaced by T.
Protein change: p.Asp187=; no amino-acid change (aspartic acid 187 retained).
Molecular consequence: synonymous variant.
Genome position (GRCh38, 1-based): chr7:128,835,534, C>T. VCF-style: chr7-128835534-C-T. GRCh37 (hg19) VCF-style: chr7-128475588-C-T.
Other names: p.Asp187=; c.561C>T, p.Asp187= (NM_001127487.2).
Identifiers: ClinVar variation 382744 (VCV000382744.59), dbSNP rs149474376, ClinGen allele CA4474052.